The following is an entry in ClinVar:

NM_001122681.2(SH3BP2):c.-4-1781G>T

Gene: SH3BP2 (SH3 domain binding protein 2; plus strand). Cytogenetic location: 4p16.3.
Variant type: single nucleotide variant.
Coding change: c.-4-1781G>T on transcript NM_001122681.2 (MANE Select); 1781 bases into the intron before 4 bases upstream of the start codon, G replaced by T.
Molecular consequence: intron variant.
Genome position (GRCh38, 1-based): chr4:2,818,833, G>T. VCF-style: chr4-2818833-G-T. GRCh37 (hg19) VCF-style: chr4-2820560-G-T.
Other names: c.81-1781G>T (LRG_1334t2, NM_001145855.2); c.-4-1781G>T (LRG_1334t1); c.167+443G>T (NM_001145856.2); c.-242G>T (NM_003023.4).
Identifiers: ClinVar variation 348559 (VCV000348559.5), dbSNP rs548710607, ClinGen allele CA10617664.

ClinVar aggregate classification (germline): Benign (1 of 4 stars; one submission).

Conditions:
Fibrous dysplasia of jaw (CRBM). Also called: Cherubism. Identifiers: Orphanet 184, MedGen C0008029, MONDO:0007315, OMIM 118400.

Allele frequency attached by ClinVar (database versions not stated): 1000 Genomes Project 0.00220; 1000 Genomes Project 30x 0.00234; gnomAD 0.00237 and 0.00248.
gnomAD v4.1: 1,142 of 986,278 alleles (0.12%); highest among the groups gnomAD compares: Middle Eastern, 0.67%; no homozygotes.

Submission:

Illumina Laboratory Services, Illumina
Classification: Benign for Fibrous dysplasia of jaw. Last evaluated: 2018-01-12. Review status: criteria provided, single submitter. Criteria: ICSL Variant Classification Criteria 13 December 2019. Collection method: clinical testing. Allele origin: germline.
Comment: This variant was observed in the ICSL laboratory as part of a predisposition screen in an ostensibly healthy population. It had not been previously curated by ICSL or reported in the Human Gene Mutation Database (HGMD: prior to June 1st, 2018), and was therefore a candidate for classification through an automated scoring system. Utilizing variant allele frequency, disease prevalence and penetrance estimates, and inheritance mode, an automated score was calculated to assess if this variant is too frequent to cause the disease. Based on the score and internal cut-off values, a variant classified as benign is not then subjected to further curation. The score for this variant resulted in a classification of benign for this disease.